The following is an entry in ClinVar:

NM_020987.5(ANK3):c.6634A>G (p.Ile2212Val)

Gene: ANK3 (ankyrin 3; minus strand). Cytogenetic location: 10q21.2.
Variant type: single nucleotide variant.
Coding change: c.6634A>G on transcript NM_020987.5 (MANE Select); coding-DNA position 6634, A replaced by G.
Protein change: p.Ile2212Val; replaces isoleucine 2212 with valine.
Molecular consequence: missense variant. On other transcripts: intron variant (4).
Genome position (GRCh38, 1-based): chr10:60,074,247, T>C on the plus strand (A>G on the coding strand, the complement: ANK3 is on the minus strand). VCF-style: chr10-60074247-T-C. GRCh37 (hg19) VCF-style: chr10-61834005-T-C.
Other names: c.4388-6238A>G (NM_001204403.2); c.4409-6238A>G (NM_001204404.2); c.4406-6238A>G (NM_001320874.2); c.1808-6238A>G (NM_001149.4); short protein forms I2212V.
Identifiers: ClinVar variation 3381509 (VCV003381509.2).

ClinVar aggregate classification (germline): Uncertain significance (1 of 4 stars; one submission).

Submission:

GeneDx
Classification: Uncertain significance. Last evaluated: 2025-10-07. Review status: criteria provided, single submitter. Criteria: GeneDx Variant Classification Process June 2021. Collection method: clinical testing. Allele origin: germline.
Comment: Not observed at significant frequency in large population cohorts (gnomAD); In silico analysis indicates that this missense variant does not alter protein structure/function; Has not been previously published as pathogenic or benign to our knowledge